The following is an entry in ClinVar:

ClinVar aggregate classification (germline): Uncertain significance (1 of 4 stars; one submission).

Conditions:
Autosomal recessive limb-girdle muscular dystrophy type 2J (LGMDR10). Also called: Limb-girdle muscular dystrophy, type 2J; MUSCULAR DYSTROPHY, LIMB-GIRDLE, AUTOSOMAL RECESSIVE 10. Identifiers: Orphanet 140922, MedGen C1837342, MONDO:0012127, OMIM 608807.
Dilated cardiomyopathy 1G (CMD1G). Identifiers: Orphanet 154, MedGen C1858763, MONDO:0011400, OMIM 604145.

Submission:

Labcorp Genetics (formerly Invitae), Labcorp
Classification: Uncertain significance for Dilated cardiomyopathy 1G; Autosomal recessive limb-girdle muscular dystrophy type 2J. Last evaluated: 2022-07-19. Review status: criteria provided, single submitter. Criteria: Invitae Variant Classification Sherloc (09022015). Collection method: clinical testing. Allele origin: germline.
Comment: This sequence change replaces aspartic acid, which is acidic and polar, with asparagine, which is neutral and polar, at codon 34645 of the TTN protein (p.Asp34645Asn). This variant is not present in population databases (gnomAD no frequency). This variant has not been reported in the literature in individuals affected with TTN-related conditions. Experimental studies and prediction algorithms are not available or were not evaluated, and the functional significance of this variant is currently unknown. This variant is located in the M band of TTN (PMID: 25589632). Variants in this region may be relevant for neuromuscular disorders, but have not been definitively shown to cause cardiomyopathy (PMID: 23975875). In summary, the available evidence is currently insufficient to determine the role of this variant in disease. Therefore, it has been classified as a Variant of Uncertain Significance.

Literature cited by the submitters: PubMed 25589632; PubMed 23975875.

NM_001267550.2(TTN):c.103933G>A (p.Asp34645Asn)

Genes: TTN (titin; minus strand), TTN-AS1 (TTN antisense RNA 1; plus strand). Cytogenetic location: 2q31.2.
Variant type: single nucleotide variant.
Coding change: c.103933G>A on transcript NM_001267550.2 (MANE Select); coding-DNA position 103933, G replaced by A.
Protein change: p.Asp34645Asn; replaces aspartic acid 34645 with asparagine.
Molecular consequence: missense variant.
Genome position (GRCh38, 1-based): chr2:178,532,682, C>T on the plus strand (G>A on the coding strand, the complement: TTN is on the minus strand). VCF-style: chr2-178532682-C-T. GRCh37 (hg19) VCF-style: chr2-179397409-C-T.
Other names: c.99010G>A, p.Asp33004Asn (NM_001256850.1); c.76738G>A, p.Asp25580Asn (NM_003319.4); c.96229G>A, p.Asp32077Asn (NM_133378.4); c.77113G>A, p.Asp25705Asn (NM_133432.3); c.77314G>A, p.Asp25772Asn (NM_133437.4); short protein forms D25580N, D25705N, D34645N, D25772N, D32077N, D33004N.
Identifiers: ClinVar variation 2051562 (VCV002051562.4), dbSNP rs2154134509, ClinGen allele CA349412910.